The following is an entry in ClinVar:

ClinVar aggregate classification (germline): Uncertain significance. Review status: criteria provided, single submitter (1 of 4 stars). 3 submissions from 3 submitters: Uncertain significance (1). 2 of the submissions do not count toward it.

Conditions:
Pheochromocytoma/paraganglioma syndrome 5. Also called: Paragangliomas 5; SDHA-Related Hereditary Paraganglioma-Pheochromocytoma Syndrome. Identifiers: Orphanet 29072, MedGen C3279992, MONDO:0013602, OMIM 614165.

Allele frequency attached by ClinVar (database versions not stated): ExAC 0.00300.

Submissions (3):

Breakthrough Genomics
Classification: Uncertain significance. Review status: criteria provided, single submitter. Criteria: ACMG Guidelines, 2015. Collection method: not provided. Allele origin: germline. Inheritance: Autosomal recessive inheritance. Affected: yes.

Counsyl
Classification: Uncertain significance for Pheochromocytoma/paraganglioma syndrome 5. Last evaluated: 2018-04-17. Review status: no assertion criteria provided. Collection method: clinical testing. Allele origin: unknown. Not counted in ClinVar's aggregate classification.

Department of Pathology and Laboratory Medicine, Sinai Health System
Classification: Uncertain significance. Review status: no assertion criteria provided. Collection method: clinical testing. Allele origin: unknown. Affected: yes. Study: The Canadian Open Genetics Repository (COGR). Not counted in ClinVar's aggregate classification.
Comment: Low coverage, also UTR so should have been filtered out?

NM_004168.4(SDHA):c.*13T>C

Gene: SDHA (succinate dehydrogenase complex flavoprotein subunit A; plus strand). Cytogenetic location: 5p15.33.
Variant type: single nucleotide variant.
Coding change: c.*13T>C on transcript NM_004168.4 (MANE Select); 13 bases downstream of the stop codon, T replaced by C.
Molecular consequence: 3 prime UTR variant.
Genome position (GRCh38, 1-based): chr5:256,433, T>C. VCF-style: chr5-256433-T-C. GRCh37 (hg19) VCF-style: chr5-256548-T-C.
Other names: c.*13T>C (NM_001294332.2, NM_001330758.2).
Identifiers: ClinVar variation 548891 (VCV000548891.4), dbSNP rs1042476, ClinGen allele CA3173483.
Genomic context (GRCh38, chr5:256,433, plus strand): 5'-AACGAGGCTGACTGTGCCACCGTCCCGCCAGCCATTCGCTCCTACTGATGAGACAAGATG[T>C]GGTGATGACAGAATCAGCTTTTGTAATTATGTATAATAGCTCATGCATGTGTCCATGTCA-3'